The following is an entry in ClinVar:

NM_000122.2(ERCC3):c.1762dup (p.Glu588fs)

Gene: ERCC3 (ERCC excision repair 3, TFIIH core complex helicase subunit; minus strand). Cytogenetic location: 2q14.3.
Variant type: Duplication.
Coding change: c.1762dup on transcript NM_000122.2 (MANE Select); coding-DNA position 1762, one base duplicated (G; older notation c.1762dupG).
Protein change: p.Glu588fs; shifts the reading frame from glutamic acid 588.
Molecular consequence: frameshift variant.
Genome position (GRCh38, 1-based): chr2:127,272,930, C duplicated on the plus strand (G on the coding strand, the reverse complement: ERCC3 is on the minus strand); the first of 5 consecutive C bases (chr2:127,272,930-127,272,934); duplicating any one gives the same sequence. VCF-style (leftmost placement, unchanged base first): chr2-127272929-T-TC. GRCh37 (hg19) VCF-style: chr2-128030505-T-TC.
Other names: c.1570dup, p.Glu524fs (NM_001303416.2, NM_001303418.2); c.1762dupG (NM_000122.2); short protein forms E588fs, E524fs.
Identifiers: ClinVar variation 870690 (VCV000870690.55), dbSNP rs770925947, ClinGen allele CA1858179.

ClinVar aggregate classification (germline): Conflicting classifications of pathogenicity. Review status: criteria provided, conflicting classifications (1 of 4 stars). 8 submissions from 8 submitters: Pathogenic (2); Likely pathogenic (5); Uncertain significance (1). Last evaluated 2025-10-21.

Conditions:
ERCC3-related disorder. Also called: ERCC3-related condition.
Xeroderma pigmentosum group B. Also called: XPB/CS; XERODERMA PIGMENTOSUM B/COCKAYNE SYNDROME; ERCC3-Related Xeroderma Pigmentosum; XP, GROUP B. Identifiers: MedGen C0268136, MONDO:0012531, OMIM 610651.
Trichothiodystrophy 2, photosensitive (TTD2). Identifiers: Orphanet 33364, MedGen C4225344, MONDO:0014615, OMIM 616390.

Submissions (8):

Labcorp Genetics (formerly Invitae), Labcorp
Classification: Pathogenic. Last evaluated: 2025-10-21. Review status: criteria provided, single submitter. Criteria: Invitae Variant Classification Sherloc (09022015). Collection method: clinical testing. Allele origin: germline.
Comment: This sequence change creates a premature translational stop signal (p.Glu588Glyfs*16) in the ERCC3 gene. It is expected to result in an absent or disrupted protein product. Loss-of-function variants in ERCC3 are known to be pathogenic (PMID: 16947863). This variant is present in population databases (rs770925947, gnomAD 0.007%). This variant has not been reported in the literature in individuals affected with ERCC3-related conditions. ClinVar contains an entry for this variant (Variation ID: 870690). For these reasons, this variant has been classified as Pathogenic.

First Genomix Gene Laboratory, Genetic Diagnostics Department
Classification: Likely pathogenic for Trichothiodystrophy 2, photosensitive; Xeroderma pigmentosum group B. Last evaluated: 2025-07-16. Review status: criteria provided, single submitter. Criteria: ACMG Guidelines, 2015. Collection method: clinical testing. Allele origin: germline. Inheritance: Autosomal recessive inheritance. Affected: no. Observed: 1 variant allele.

Dasa
Classification: Pathogenic. Last evaluated: 2025-03-12. Review status: criteria provided, single submitter. Criteria: DASA Assertion Criteria. Collection method: clinical testing. Allele origin: germline.
Comment: NM_000122.2(ERCC3):c.1762dup (p.Glu588GlyfsTer16) introduces a premature termination codon predicted to result in loss of normal protein function. Loss-of-function is an established mechanism of disease for this gene. This variant has been reported in individuals with related phenotype. The variant is present at low frequency in population datasets. Based on the available data, this variant is classified as pathogenic.

Blueprint Genetics
Classification: Likely pathogenic for ERCC3-related disorders. Last evaluated: 2024-10-15. Review status: criteria provided, single submitter. Criteria: ACMG Guidelines, 2015. Collection method: clinical testing. Allele origin: germline. Affected: yes. Observed: 5 variant alleles.

Department of Pathology and Laboratory Medicine, Sinai Health System
Classification: Likely pathogenic for xeroderma pigmentosum group B. Last evaluated: 2023-04-26. Review status: criteria provided, single submitter. Criteria: ACMG Guidelines, 2015. Collection method: research. Allele origin: germline.

GeneDx
Classification: Uncertain significance. Last evaluated: 2022-02-17. Review status: criteria provided, single submitter. Criteria: GeneDx Variant Classification Process June 2021. Collection method: clinical testing. Allele origin: germline. Affected: yes.
Comment: Frameshift variant predicted to result in protein truncation or nonsense mediated decay in a gene for which loss-of-function is a known mechanism of disease; Has not been previously published as pathogenic or benign to our knowledge

Fulgent Genetics
Classification: Likely pathogenic for Xeroderma pigmentosum group B; Trichothiodystrophy 2, photosensitive. Last evaluated: 2021-10-05. Review status: criteria provided, single submitter. Criteria: ACMG Guidelines, 2015. Collection method: clinical testing. Allele origin: unknown.

CeGaT Center for Human Genetics Tuebingen
Classification: Likely pathogenic. Last evaluated: 2020-01-01. Review status: criteria provided, single submitter. Criteria: CeGaT Center For Human Genetics Tuebingen Variant Classification Criteria Version 2. Collection method: clinical testing. Allele origin: germline. Affected: yes. Observed: 1 variant allele.

Literature cited by the submitters: PubMed 16947863 (cited by Labcorp Genetics (formerly Invitae), Labcorp).